The following is an entry in ClinVar:

ClinVar aggregate classification (germline): Uncertain significance (1 of 4 stars; one submission).

gnomAD v4.1: 2 of 1,549,994 alleles (0.00013%); highest among the groups gnomAD compares: African/African-American, 0.0027%; no homozygotes.

Submission:

Women's Health and Genetics/Laboratory Corporation of America, LabCorp
Classification: Uncertain significance. Last evaluated: 2026-01-06. Review status: criteria provided, single submitter. Criteria: LabCorp Variant Classification Summary - May 2015. Collection method: clinical testing. Allele origin: germline.
Comment: Variant summary: ZNF469 c.5764T>G (p.Leu1922Val) results in a conservative amino acid change in the encoded protein sequence. Algorithms developed to predict the effect of missense changes on protein structure and function are either unavailable or do not agree on the potential impact of this missense change. The variant allele was found at a frequency of 1.3e-06 in 1543070 control chromosomes (gnomAD). The available data on variant occurrences in the general population are insufficient to allow any conclusion about variant significance. To our knowledge, no occurrence of c.5764T>G in individuals affected with ZNF469-related conditions and no experimental evidence demonstrating its impact on protein function have been reported. No submitters have cited clinical-significance assessments for this variant to ClinVar. Based on the evidence outlined above, the variant was classified as uncertain significance.

NM_001367624.2(ZNF469):c.5764T>G (p.Leu1922Val)

Gene: ZNF469 (zinc finger protein 469; plus strand). Cytogenetic location: 16q24.2.
Variant type: single nucleotide variant.
Coding change: c.5764T>G on transcript NM_001367624.2 (MANE Select); coding-DNA position 5764, T replaced by G.
Protein change: p.Leu1922Val; replaces leucine 1922 with valine.
Molecular consequence: missense variant.
Genome position (GRCh38, 1-based): chr16:88,433,234, T>G. VCF-style: chr16-88433234-T-G. GRCh37 (hg19) VCF-style: chr16-88499642-T-G.
Other names: short protein forms L1922V.
Identifiers: ClinVar variation 4689600 (VCV004689600.1).
Genomic context (GRCh38, chr16:88,433,234, plus strand): 5'-ATACGTCAGCTCCAGCTCCCAGGGCCTGGAGTGGCTAAGAGTAAAGATGGCATCCTGGGC[T>G]TGCAGGAGCTGACACCTGCTGCCCAGAGCCCTCCACGAGTGAACCCCTCAGGTCTGGAAG-3'
Protein context (NP_001354553.1, residues 1912-1932): VAKSKDGILG[Leu1922Val]QELTPAAQSP